The following is an entry in ClinVar:

NM_170682.4(P2RX2):c.1234G>C (p.Asp412His)

Gene: P2RX2 (purinergic receptor P2X 2; plus strand). Cytogenetic location: 12q24.33.
Variant type: single nucleotide variant.
Coding change: c.1234G>C on transcript NM_170682.4 (MANE Select); coding-DNA position 1234, G replaced by C.
Protein change: p.Asp412His; replaces aspartic acid 412 with histidine.
Molecular consequence: missense variant. On other transcripts: 3 prime UTR variant (1), intron variant (2).
Genome position (GRCh38, 1-based): chr12:132,621,790, G>C. VCF-style: chr12-132621790-G-C. GRCh37 (hg19) VCF-style: chr12-133198376-G-C.
Other names: c.*281G>C (NM_001282165.2); c.1018G>C, p.Asp340His (NM_012226.5); c.1162G>C, p.Asp388His (NM_016318.4); c.1312G>C, p.Asp438His (NM_170683.4); c.958G>C, p.Asp320His (NM_174872.3); c.1140+94G>C (NM_174873.3); c.1038+94G>C (NM_001282164.2); short protein forms D340H, D438H, D320H, D388H, D412H.
Identifiers: ClinVar variation 229123 (VCV000229123.6), dbSNP rs374200273, ClinGen allele CA6891872.
Genomic context (GRCh38, chr12:132,621,790, plus strand): 5'-CCTGTGACCCTTGCCCGTGTATTGGGCCAGGCCCCTCCCGAACCCGGCCACCGCTCCGAG[G>C]ACCAGCACCCCAGCCCTCCATCAGGCCAGGAGGGCCAACAAGGGGCAGAGTGTGGCCCAG-3'
Protein context (NP_733782.1, residues 402-422): APPEPGHRSE[Asp412His]QHPSPPSGQE

ClinVar aggregate classification (germline): Uncertain significance. Review status: criteria provided, multiple submitters, no conflicts (2 of 4 stars). 2 submissions from 2 submitters: Uncertain significance (2). Last evaluated 2024-01-22.

Allele frequency attached by ClinVar (database versions not stated): ExAC 0.00001; gnomAD exomes 0.00001; TOPMed 0.00002; gnomAD 0.00005 and 0.00006; ESP Exome Variant Server 0.00008.

Submissions (2):

Ambry Genetics
Classification: Uncertain significance. Last evaluated: 2024-01-22. Review status: criteria provided, single submitter. Criteria: Ambry Variant Classification Scheme 2023. Collection method: clinical testing. Allele origin: germline.

Laboratory for Molecular Medicine, Mass General Brigham Personalized Medicine
Classification: Uncertain significance. Last evaluated: 2016-01-03. Review status: criteria provided, single submitter. Criteria: LMM Criteria. Collection method: clinical testing. Allele origin: germline. Observed: 1 variant allele.
Comment: The p.Asp438His variant in P2RX2 has not been previously reported in individuals with hearing loss, but has been identified in 1/10176 African chromosomes by th e Exome Aggregation Consortium (ExAC; dbSNP rs37 4200273). Computational prediction tools and conservation analysis do not provid e strong support for or against an impact to the protein. In summary, the clinic al significance of the p.Asp438His variant is uncertain.